The following is an entry in ClinVar:

ClinVar aggregate classification (germline): Pathogenic (1 of 4 stars; one submission).

Conditions:
Familial cancer of breast. Also called: hereditary breast carcinoma; BREAST CANCER, FAMILIAL; Hereditary breast cancer. Identifiers: Orphanet 227535, MedGen C0346153, MONDO:0016419, OMIM 114480. Disease mechanism: loss of function.

Submission:

Myriad Genetics, Inc.
Classification: Pathogenic for Familial cancer of breast. Last evaluated: 2024-02-02. Review status: criteria provided, single submitter. Criteria: Myriad Autosomal Dominant, Autosomal Recessive and X-Linked Classification Criteria (2023). Collection method: clinical testing. Allele origin: unknown.
Comment: This variant is considered pathogenic. This variant creates a frameshift predicted to result in premature protein truncation.

NM_000051.4(ATM):c.8457del (p.Phe2820fs)

Genes: ATM (ATM serine/threonine kinase; plus strand), C11orf65 (chromosome 11 open reading frame 65; minus strand). Cytogenetic location: 11q22.3.
Variant type: Deletion.
Coding change: c.8457del on transcript NM_000051.4 (MANE Select); coding-DNA position 8457, one base deleted (C; older notation c.8457delC).
Protein change: p.Phe2820fs; shifts the reading frame from phenylalanine 2820.
Molecular consequence: frameshift variant. On other transcripts: intron variant (2).
Genome position (GRCh38, 1-based): chr11:108,345,781, C deleted. VCF-style (leftmost placement, unchanged base first): chr11-108345780-TC-T. GRCh37 (hg19) VCF-style: chr11-108216507-TC-T.
Other names: c.8457del, p.Phe2820fs (NM_001351834.2); c.641-36710del (NM_001330368.2); c.695-10489del (NM_001351110.2); short protein forms F2820fs.
Identifiers: ClinVar variation 3148487 (VCV003148487.1), dbSNP rs2547443017, ClinGen allele CA2825001978.